The following is an entry in ClinVar:

ClinVar aggregate classification (germline): Uncertain significance. Review status: criteria provided, multiple submitters, no conflicts (2 of 4 stars). 2 submissions from 2 submitters: Uncertain significance (2). Last evaluated 2026-03-30.

Conditions:
Cardiovascular phenotype. Identifiers: MedGen CN230736.
Ehlers-Danlos syndrome (EDS). Identifiers: Orphanet 98249, MedGen C0013720, MONDO:0020066.

Allele frequency attached by ClinVar (database versions not stated): TOPMed below 0.00001.

Submissions (2):

Ambry Genetics
Classification: Uncertain significance for Cardiovascular phenotype. Last evaluated: 2026-03-30. Review status: criteria provided, single submitter. Criteria: Ambry Variant Classification Scheme 2023. Collection method: clinical testing. Allele origin: germline.
Comment: The p.Y1611H variant (also known as c.4831T>C), located in coding exon 12 of the TNXB gene, results from a T to C substitution at nucleotide position 4831. The tyrosine at codon 1611 is replaced by histidine, an amino acid with similar properties. This amino acid position is conserved. In addition, the in silico prediction for this alteration is inconclusive. Based on the available evidence, the clinical significance of this variant remains unclear.

Genome Diagnostics Laboratory, The Hospital for Sick Children
Classification: Uncertain significance for Ehlers-Danlos syndrome. Last evaluated: 2018-09-01. Review status: criteria provided, single submitter. Criteria: ACMG Guidelines, 2015. Collection method: clinical testing. Allele origin: germline.

NM_001365276.2(TNXB):c.4831T>C (p.Tyr1611His)

Gene: TNXB (tenascin XB; minus strand). Cytogenetic location: 6p21.33.
Variant type: single nucleotide variant.
Coding change: c.4831T>C on transcript NM_001365276.2 (MANE Select); coding-DNA position 4831, T replaced by C.
Protein change: p.Tyr1611His; replaces tyrosine 1611 with histidine.
Molecular consequence: missense variant.
Genome position (GRCh38, 1-based): chr6:32,072,149, A>G on the plus strand (T>C on the coding strand, the complement: TNXB is on the minus strand). VCF-style: chr6-32072149-A-G. GRCh37 (hg19) VCF-style: chr6-32039926-A-G.
Other names: c.4831T>C, p.Tyr1611His (NM_019105.8); short protein forms Y1611H.
Identifiers: ClinVar variation 1702332 (VCV001702332.4), dbSNP rs1778812721, ClinGen allele CA363420336.